The following is an entry in ClinVar:

NM_000431.4(MVK):c.621_630del (p.Ser208fs)

Gene: MVK (mevalonate kinase; plus strand). Cytogenetic location: 12q24.11.
Variant type: Deletion.
Coding change: c.621_630del on transcript NM_000431.4 (MANE Select); coding-DNA positions 621 to 630, 10 bases deleted (CAGCACCTGG; older notation c.621_630delCAGCACCTGG).
Protein change: p.Ser208fs; shifts the reading frame from serine 208.
Molecular consequence: frameshift variant. On other transcripts: non-coding transcript variant (4).
Genome position (GRCh38, 1-based): chr12:109,586,115-109,586,124, CAGCACCTGG deleted. VCF-style (leftmost placement, unchanged base first): chr12-109586114-TCAGCACCTGG-T. GRCh37 (hg19) VCF-style: chr12-110023919-TCAGCACCTGG-T.
Other names: c.621_630del, p.Ser208fs (NM_001114185.3, NM_001414511.1, NM_001414512.1 and 1 more transcripts); c.465_474del, p.Ser156fs (NM_001301182.2, NM_001414514.1); c.39_48del, p.Ser14fs (NM_001414515.1); short protein forms S14fs, S208fs, S156fs.
Identifiers: ClinVar variation 2921862 (VCV002921862.3), dbSNP rs2548630725, ClinGen allele CA2740092602.

ClinVar aggregate classification (germline): Pathogenic (1 of 4 stars; one submission).

Conditions:
Porokeratosis 3, disseminated superficial actinic type (POROK3). Also called: POROKERATOSIS, DISSEMINATED SUPERFICIAL ACTINIC, 1; POROKERATOSIS 3, MULTIPLE TYPES; POROKERATOSIS 3, MIBELLI TYPE. Identifiers: MedGen C1867981, MONDO:0008293, OMIM 175900.
Hyperimmunoglobulin D with periodic fever (HIDS). Also called: HYPERIMMUNOGLOBULINEMIA D AND PERIODIC FEVER SYNDROME; Hyperimmunoglobulinemia D with periodic fever; Hyperimmunoglobulinemia D. Identifiers: Orphanet 343, MedGen C0398691, MONDO:0009849, OMIM 260920.
Mevalonic aciduria (MEVA). Identifiers: Orphanet 29, MedGen C1959626, MONDO:0012481, OMIM 610377.

Submission:

Labcorp Genetics (formerly Invitae), Labcorp
Classification: Pathogenic for Mevalonic aciduria; Hyperimmunoglobulin D with periodic fever; Porokeratosis 3, disseminated superficial actinic type. Last evaluated: 2023-12-31. Review status: criteria provided, single submitter. Criteria: Invitae Variant Classification Sherloc (09022015). Collection method: clinical testing. Allele origin: germline.
Comment: This sequence change creates a premature translational stop signal (p.Ser208Glufs*14) in the MVK gene. It is expected to result in an absent or disrupted protein product. Loss-of-function variants in MVK are known to be pathogenic (PMID: 16835861, 17105862, 23834120). This variant is not present in population databases (gnomAD no frequency). This variant has not been reported in the literature in individuals affected with MVK-related conditions. For these reasons, this variant has been classified as Pathogenic.

Literature cited by the submitters: PubMed 16835861; PubMed 17105862; PubMed 23834120.